The following is an entry in ClinVar:

NC_000023.10:g.(?_32235013)_(32328413_?)dup

Gene: DMD (dystrophin; minus strand). Cytogenetic location: Xp21.1.
Variant type: Duplication.
Identifiers: ClinVar variation 2424970 (VCV002424970.5).

ClinVar aggregate classification (germline): Uncertain significance (1 of 4 stars; one submission).

Conditions:
Duchenne muscular dystrophy (DMD). Also called: Duchenne Muscular Dystrophy (DMD); MUSCULAR DYSTROPHY, PSEUDOHYPERTROPHIC PROGRESSIVE, DUCHENNE TYPE. Identifiers: Orphanet 98896, MedGen C0013264, MONDO:0010679, OMIM 310200.

Submission:

Labcorp Genetics (formerly Invitae), Labcorp
Classification: Uncertain significance for Duchenne muscular dystrophy. Last evaluated: 2021-11-29. Review status: criteria provided, single submitter. Criteria: Invitae Variant Classification Sherloc (09022015). Collection method: clinical testing. Allele origin: germline.
Comment: In summary, the available evidence is currently insufficient to determine the role of this variant in disease. Therefore, it has been classified as a Variant of Uncertain Significance. Experimental studies and prediction algorithms are not available or were not evaluated, and the functional significance of this variant is currently unknown. This variant has not been reported in the literature in individuals affected with DMD-related conditions. This variant results in a copy number gain of the genomic region encompassing exon(s) 42-44 of the DMD gene. While the exact position of this variant cannot be determined from the data, sub-genic copy number gains are generally in tandem (PMID: 25640679). This variant is predicted to be in-frame, and likely preserves the integrity of the reading frame.

Literature cited by the submitters: PubMed 25640679.